The following is an entry in ClinVar:

NC_000023.11:g.(?_32809473)_(33020220_?)del

Gene: DMD (dystrophin; minus strand). Cytogenetic location: Xp21.1.
Variant type: Deletion.
Identifiers: ClinVar variation 584399 (VCV000584399.3).

ClinVar aggregate classification (germline): Pathogenic (1 of 4 stars; one submission).

Conditions:
Duchenne muscular dystrophy (DMD). Also called: MUSCULAR DYSTROPHY, PSEUDOHYPERTROPHIC PROGRESSIVE, DUCHENNE TYPE; Duchenne Muscular Dystrophy (DMD). Identifiers: Orphanet 98896, MedGen C0013264, MONDO:0010679, OMIM 310200.

Submission:

Labcorp Genetics (formerly Invitae), Labcorp
Classification: Pathogenic for Duchenne muscular dystrophy. Last evaluated: 2022-10-17. Review status: criteria provided, single submitter. Criteria: Invitae Variant Classification Sherloc (09022015). Collection method: clinical testing. Allele origin: germline.
Comment: This variant is a gross deletion of the genomic region encompassing exon(s) 2-7 of the DMD gene. This variant would be expected to be in-frame, preserving the integrity of the reading frame. A similar copy number variant has been observed in individuals with dystrophinopathy (PMID: 2063877, 11185740, 20031633). For these reasons, this variant has been classified as Pathogenic.

Literature cited by the submitters: PubMed 2063877; PubMed 11185740; PubMed 20031633.